The following is an entry in ClinVar:

NM_021224.6(ZNF462):c.4092C>T (p.Ala1364=)

Gene: ZNF462 (zinc finger protein 462; plus strand). Cytogenetic location: 9q31.2.
Variant type: single nucleotide variant.
Coding change: c.4092C>T on transcript NM_021224.6 (MANE Select); coding-DNA position 4092, C replaced by T.
Protein change: p.Ala1364=; no amino-acid change (alanine 1364 retained).
Molecular consequence: synonymous variant. On other transcripts: intron variant (1).
Genome position (GRCh38, 1-based): chr9:106,928,004, C>T. VCF-style: chr9-106928004-C-T. GRCh37 (hg19) VCF-style: chr9-109690285-C-T.
Other names: c.3252+840C>T (NM_001347997.2).
Identifiers: ClinVar variation 2659378 (VCV002659378.24), dbSNP rs185250462, ClinGen allele CA5171768.

ClinVar aggregate classification (germline): Likely benign (1 of 4 stars; one submission).

Allele frequency attached by ClinVar (database versions not stated): gnomAD 0.00007; ESP Exome Variant Server 0.00008; TOPMed 0.00010; 1000 Genomes Project 30x 0.00031; 1000 Genomes Project 0.00040.
gnomAD v4.1: 244 of 1,614,150 alleles (0.015%); highest among the groups gnomAD compares: Non-Finnish European, 0.018%; no homozygotes.

Submission:

CeGaT Center for Human Genetics Tuebingen
Classification: Likely benign. Last evaluated: 2023-05-01. Review status: criteria provided, single submitter. Criteria: CeGaT Center For Human Genetics Tuebingen Variant Classification Criteria Version 2. Collection method: clinical testing. Allele origin: germline. Affected: yes. Observed: 2 variant alleles.
Comment: ZNF462: BP4, BP7